The following is an entry in ClinVar:

ClinVar aggregate classification (germline): Uncertain significance. Review status: criteria provided, multiple submitters, no conflicts (2 of 4 stars). 2 submissions from 2 submitters: Uncertain significance (2). Last evaluated 2024-06-15.

Conditions:
Hereditary nonpolyposis colorectal neoplasms. Identifiers: MedGen C0009405, MeSH D003123.
Hereditary cancer-predisposing syndrome. Also called: Neoplastic Syndromes, Hereditary; Tumor predisposition; Hereditary Cancer Syndrome; Hereditary neoplastic syndrome. Identifiers: Orphanet 140162, MedGen C0027672, MeSH D009386, MONDO:0015356.

Submissions (2):

Ambry Genetics
Classification: Uncertain significance for Hereditary cancer-predisposing syndrome. Last evaluated: 2024-06-15. Review status: criteria provided, single submitter. Criteria: Ambry Variant Classification Scheme 2023. Collection method: clinical testing. Allele origin: germline.
Comment: The p.A539E variant (also known as c.1616C>A), located in coding exon 11 of the PMS2 gene, results from a C to A substitution at nucleotide position 1616. The alanine at codon 539 is replaced by glutamic acid, an amino acid with dissimilar properties. This amino acid position is poorly conserved in available vertebrate species. In addition, this alteration is predicted to be tolerated by in silico analysis. Since supporting evidence is limited at this time, the clinical significance of this alteration remains unclear.

Labcorp Genetics (formerly Invitae), Labcorp
Classification: Uncertain significance for Hereditary nonpolyposis colorectal neoplasms. Last evaluated: 2024-04-30. Review status: criteria provided, single submitter. Criteria: Invitae Variant Classification Sherloc (09022015). Collection method: clinical testing. Allele origin: germline.
Comment: This sequence change replaces alanine, which is neutral and non-polar, with glutamic acid, which is acidic and polar, at codon 539 of the PMS2 protein (p.Ala539Glu). This variant is present in population databases (rs138222146, gnomAD 0.009%). This variant has not been reported in the literature in individuals affected with PMS2-related conditions. ClinVar contains an entry for this variant (Variation ID: 1776492). Advanced modeling of protein sequence and biophysical properties (such as structural, functional, and spatial information, amino acid conservation, physicochemical variation, residue mobility, and thermodynamic stability) performed at Invitae indicates that this missense variant is not expected to disrupt PMS2 protein function with a negative predictive value of 80%. In summary, the available evidence is currently insufficient to determine the role of this variant in disease. Therefore, it has been classified as a Variant of Uncertain Significance.

NM_000535.7(PMS2):c.1616C>A (p.Ala539Glu)

Gene: PMS2 (PMS1 homolog 2, mismatch repair system component; minus strand). Cytogenetic location: 7p22.1.
Variant type: single nucleotide variant.
Coding change: c.1616C>A on transcript NM_000535.7 (MANE Select); coding-DNA position 1616, C replaced by A.
Protein change: p.Ala539Glu; replaces alanine 539 with glutamic acid.
Molecular consequence: missense variant. On other transcripts: non-coding transcript variant (1).
Genome position (GRCh38, 1-based): chr7:5,987,149, G>T on the plus strand (C>A on the coding strand, the complement: PMS2 is on the minus strand). VCF-style: chr7-5987149-G-T. GRCh37 (hg19) VCF-style: chr7-6026780-G-T.
Other names: c.1211C>A, p.Ala404Glu (NM_001018040.1, NM_001322003.2, NM_001322004.2 and 17 more transcripts); c.1460C>A, p.Ala487Glu (NM_001322006.2, NM_001406870.1); c.1298C>A, p.Ala433Glu (NM_001322007.2, NM_001322008.2, NM_001406876.1 and 2 more transcripts); c.1055C>A, p.Ala352Glu (NM_001322010.2, NM_001406906.1, NM_001406907.1); c.683C>A, p.Ala228Glu (NM_001322011.2, NM_001322012.2); c.1043C>A, p.Ala348Glu (NM_001322013.2, NM_001406909.1); c.1616C>A, p.Ala539Glu (NM_001322014.2, NM_001406871.1, NM_001406872.1); c.1307C>A, p.Ala436Glu (NM_001322015.2, NM_001406875.1, NM_001406877.1 and 5 more transcripts); and 12 more; short protein forms A368E, A427E, A431E, A436E, A487E, A228E, A433E, A473E.
Identifiers: ClinVar variation 1776492 (VCV001776492.8), dbSNP rs138222146, ClinGen allele CA044619.
Genomic context (GRCh38, chr7:5,987,149, plus strand): 5'-CCGGTATCTTCCTGGTTTGAATGGCAGTCCACATCTGAAAAAGAGTCGTCAGTTTTAGGC[G>T]CTTTCTCCTGAGAGTCCACATGTTCCTGCGAGCCCCTGTCCCCTGGGGAGCTGGCCGCAT-3'
Protein context (NP_000526.2, residues 529-549): SQEHVDSQEK[Ala539Glu]PKTDDSFSDV